The following is an entry in ClinVar:

NM_024422.6(DSC2):c.19T>C (p.Ser7Pro)

Genes: DSC2 (desmocollin 2; minus strand), DSCAS (DSC1/DSC2 antisense RNA; plus strand). Cytogenetic location: 18q12.1.
Variant type: single nucleotide variant.
Coding change: c.19T>C on transcript NM_024422.6 (MANE Select); coding-DNA position 19, T replaced by C.
Protein change: p.Ser7Pro; replaces serine 7 with proline.
Molecular consequence: missense variant.
Genome position (GRCh38, 1-based): chr18:31,101,953, A>G on the plus strand (T>C on the coding strand, the complement: DSC2 is on the minus strand). VCF-style: chr18-31101953-A-G. GRCh37 (hg19) VCF-style: chr18-28681916-A-G.
Other names: c.19T>C, p.Ser7Pro (NM_004949.5); short protein forms S7P.
Identifiers: ClinVar variation 1490921 (VCV001490921.8), dbSNP rs774977340, ClinGen allele CA034235.

ClinVar aggregate classification (germline): Uncertain significance (1 of 4 stars; one submission).

Conditions:
Arrhythmogenic right ventricular dysplasia 11. Also called: Arrhythmogenic right ventricular dysplasia 11 with mild palmoplantar keratoderma and woolly hair; Arrhythmogenic Right Ventricular Dysplasia/Cardiomyopathy11; ARRHYTHMOGENIC RIGHT VENTRICULAR DYSPLASIA, FAMILIAL, 11. Identifiers: MedGen C1864850, MONDO:0012506, OMIM 610476.

Allele frequency attached by ClinVar (database versions not stated): gnomAD exomes below 0.00001; ExAC 0.00009.
gnomAD v4.1: 1 of 1,527,018 alleles (0.000065%); no homozygotes.

Submission:

Labcorp Genetics (formerly Invitae), Labcorp
Classification: Uncertain significance for Arrhythmogenic right ventricular dysplasia 11. Last evaluated: 2021-05-13. Review status: criteria provided, single submitter. Criteria: Invitae Variant Classification Sherloc (09022015). Collection method: clinical testing. Allele origin: germline.
Comment: In summary, the available evidence is currently insufficient to determine the role of this variant in disease. Therefore, it has been classified as a Variant of Uncertain Significance. Algorithms developed to predict the effect of missense changes on protein structure and function output the following: SIFT: "Tolerated"; PolyPhen-2: "Benign"; Align-GVGD: "Class C0". The proline amino acid residue is found in multiple mammalian species, suggesting that this missense change does not adversely affect protein function. These predictions have not been confirmed by published functional studies and their clinical significance is uncertain. This variant has not been reported in the literature in individuals with DSC2-related conditions. While this variant is present in population databases (rs774977340), the frequency information is unreliable, as metrics indicate poor data quality at this position in the ExAC database. This sequence change replaces serine with proline at codon 7 of the DSC2 protein (p.Ser7Pro). The serine residue is weakly conserved and there is a moderate physicochemical difference between serine and proline.